The following is an entry in ClinVar:

ClinVar aggregate classification (germline): Uncertain significance (1 of 4 stars; one submission).

Conditions:
Hereditary cancer-predisposing syndrome. Also called: Tumor predisposition; Neoplastic Syndromes, Hereditary; Hereditary Cancer Syndrome; Hereditary neoplastic syndrome. Identifiers: Orphanet 140162, MedGen C0027672, MeSH D009386, MONDO:0015356.

Submission:

Ambry Genetics
Classification: Uncertain significance for Hereditary cancer-predisposing syndrome. Last evaluated: 2024-07-31. Review status: criteria provided, single submitter. Criteria: Ambry Variant Classification Scheme 2023. Collection method: clinical testing. Allele origin: germline.
Comment: The p.M494K variant (also known as c.1481T>A), located in coding exon 8 of the DICER1 gene, results from a T to A substitution at nucleotide position 1481. The methionine at codon 494 is replaced by lysine, an amino acid with similar properties. This amino acid position is conserved. In addition, this alteration is predicted to be deleterious by in silico analysis. Based on the available evidence, the clinical significance of this variant remains unclear.

NM_177438.3(DICER1):c.1481T>A (p.Met494Lys)

Gene: DICER1 (dicer 1, ribonuclease III; minus strand). Cytogenetic location: 14q32.13.
Variant type: single nucleotide variant.
Coding change: c.1481T>A on transcript NM_177438.3 (MANE Select); coding-DNA position 1481, T replaced by A.
Protein change: p.Met494Lys; replaces methionine 494 with lysine.
Molecular consequence: missense variant. On other transcripts: 5 prime UTR variant (1), non-coding transcript variant (6).
Genome position (GRCh38, 1-based): chr14:95,117,650, A>T on the plus strand (T>A on the coding strand, the complement: DICER1 is on the minus strand). VCF-style: chr14-95117650-A-T. GRCh37 (hg19) VCF-style: chr14-95583987-A-T.
Other names: c.1481T>A, p.Met494Lys (NM_001195573.1, NM_001271282.3, NM_001291628.2 and 12 more transcripts); c.1199T>A, p.Met400Lys (NM_001395686.1); c.1076T>A, p.Met359Lys (NM_001395687.1, NM_001395688.1, NM_001395689.1 and 3 more transcripts); c.914T>A, p.Met305Lys (NM_001395691.1); c.-88T>A (NM_001395697.1); short protein forms M305K, M359K, M400K, M494K.
Identifiers: ClinVar variation 3501867 (VCV003501867.1).